The following is an entry in ClinVar:

ClinVar aggregate classification (germline): Uncertain significance. Review status: criteria provided, multiple submitters, no conflicts (2 of 4 stars). 3 submissions from 3 submitters: Uncertain significance (3). Last evaluated 2025-08-06.

Conditions:
Charcot-Marie-Tooth disease type 2A1. Also called: CHARCOT-MARIE-TOOTH DISEASE, AXONAL, TYPE 2A1; CHARCOT-MARIE-TOOTH DISEASE, AXONAL, AUTOSOMAL DOMINANT, TYPE 2A1; CHARCOT-MARIE-TOOTH DISEASE, NEURONAL, TYPE 2A1; CHARCOT-MARIE-TOOTH NEUROPATHY, TYPE 2A1; HEREDITARY MOTOR AND SENSORY NEUROPATHY IIA1. Identifiers: Orphanet 99946, MedGen C1861678, MONDO:0007308, OMIM 118210.
Neuroblastoma, susceptibility to, 1. Identifiers: MedGen C2749485, MONDO:0009741, OMIM 256700.
Charcot-Marie-Tooth disease type 2. Also called: Charcot-Marie-Tooth type 2. Identifiers: Orphanet 64746, MedGen C0270914, MONDO:0018993.

Allele frequency attached by ClinVar (database versions not stated): gnomAD 0.00003 and 0.00004; ESP Exome Variant Server 0.00008; gnomAD exomes below 0.00001; TOPMed 0.00005; ExAC 0.00002.
gnomAD v4.1: 5 of 1,614,084 alleles (0.00031%); highest among the groups gnomAD compares: African/African-American, 0.0067%; no homozygotes.

Submissions (3):

Ambry Genetics
Classification: Uncertain significance. Last evaluated: 2025-08-06. Review status: criteria provided, single submitter. Criteria: Ambry Variant Classification Scheme 2023. Collection method: clinical testing. Allele origin: germline.

Fulgent Genetics
Classification: Uncertain significance for Charcot-Marie-Tooth disease type 2A1; Neuroblastoma, susceptibility to, 1. Last evaluated: 2024-05-13. Review status: criteria provided, single submitter. Criteria: ACMG Guidelines, 2015. Collection method: clinical testing. Allele origin: germline.

Labcorp Genetics (formerly Invitae), Labcorp
Classification: Uncertain significance for Charcot-Marie-Tooth disease type 2. Last evaluated: 2022-06-01. Review status: criteria provided, single submitter. Criteria: Invitae Variant Classification Sherloc (09022015). Collection method: clinical testing. Allele origin: germline.
Comment: This sequence change replaces aspartic acid, which is acidic and polar, with asparagine, which is neutral and polar, at codon 896 of the KIF1B protein (p.Asp896Asn). This variant is present in population databases (rs370647925, gnomAD 0.02%). This variant has not been reported in the literature in individuals affected with KIF1B-related conditions. ClinVar contains an entry for this variant (Variation ID: 1400116). Algorithms developed to predict the effect of missense changes on protein structure and function are either unavailable or do not agree on the potential impact of this missense change (SIFT: "Tolerated"; PolyPhen-2: "Probably Damaging"; Align-GVGD: "Class C0"). In summary, the available evidence is currently insufficient to determine the role of this variant in disease. Therefore, it has been classified as a Variant of Uncertain Significance.

NM_001365951.3(KIF1B):c.2824G>A (p.Asp942Asn)

Genes: KIF1B (kinesin family member 1B; plus strand), LOC126805614 (BRD4-independent group 4 enhancer GRCh37_chr1:10385546-10386745; plus strand). Cytogenetic location: 1p36.22.
Variant type: single nucleotide variant.
Coding change: c.2824G>A on transcript NM_001365951.3 (MANE Select); coding-DNA position 2824, G replaced by A.
Protein change: p.Asp942Asn; replaces aspartic acid 942 with asparagine.
Molecular consequence: missense variant.
Genome position (GRCh38, 1-based): chr1:10,326,259, G>A. VCF-style: chr1-10326259-G-A. GRCh37 (hg19) VCF-style: chr1-10386317-G-A.
Other names: c.2824G>A, p.Asp942Asn (NM_001365952.1); c.2686G>A, p.Asp896Asn (NM_015074.3); short protein forms D896N, D942N.
Identifiers: ClinVar variation 1400116 (VCV001400116.13), dbSNP rs370647925, ClinGen allele CA581618.